The following is an entry in ClinVar:

ClinVar aggregate classification (germline): Uncertain significance (1 of 4 stars; one submission).

Conditions:
Hereditary cancer-predisposing syndrome. Also called: Hereditary neoplastic syndrome; Neoplastic Syndromes, Hereditary; Tumor predisposition; Hereditary Cancer Syndrome. Identifiers: Orphanet 140162, MedGen C0027672, MeSH D009386, MONDO:0015356.

Submission:

Ambry Genetics
Classification: Uncertain significance for Hereditary cancer-predisposing syndrome. Last evaluated: 2025-08-27. Review status: criteria provided, single submitter. Criteria: Ambry Variant Classification Scheme 2023. Collection method: clinical testing. Allele origin: germline.
Comment: The p.S546R variant (also known as c.1638T>A), located in coding exon 16 of the MUTYH gene, results from a T to A substitution at nucleotide position 1638. The serine at codon 546 is replaced by arginine, an amino acid with dissimilar properties. This amino acid position is conserved. In addition, this alteration is predicted to be tolerated by in silico analysis. Based on the available evidence, the clinical significance of this variant remains unclear.

NM_001048174.2(MUTYH):c.1554T>A (p.Ser518Arg)

Gene: MUTYH (mutY DNA glycosylase; minus strand). Cytogenetic location: 1p34.1.
Variant type: single nucleotide variant.
Coding change: c.1554T>A on transcript NM_001048174.2 (MANE Select); coding-DNA position 1554, T replaced by A.
Protein change: p.Ser518Arg; replaces serine 518 with arginine.
Molecular consequence: missense variant. On other transcripts: non-coding transcript variant (7).
Genome position (GRCh38, 1-based): chr1:45,329,318, A>T on the plus strand (T>A on the coding strand, the complement: MUTYH is on the minus strand). VCF-style: chr1-45329318-A-T. GRCh37 (hg19) VCF-style: chr1-45794990-A-T.
Other names: c.1278T>A, p.Ser426Arg (NM_001293192.2, NM_001293196.2, NM_001407091.1); c.1554T>A, p.Ser518Arg (NM_001293195.2, NM_001407070.1, NM_001407072.1 and 6 more transcripts); c.1209T>A, p.Ser403Arg (NM_001350650.2, NM_001350651.2, NM_001407082.1); c.1587T>A, p.Ser529Arg (NM_001407069.1, NM_001407077.1, NM_001293191.2); c.1557T>A, p.Ser519Arg (NM_001407071.1, NM_001407086.1, NM_001407078.1 and 1 more transcripts); c.1575T>A, p.Ser525Arg (NM_001407087.1); c.1629T>A, p.Ser543Arg (NM_012222.3); c.1470T>A, p.Ser490Arg (NM_001407075.1); and 5 more; short protein forms S426R, S504R, S519R, S532R, S546R, S403R, S518R, S529R.
Identifiers: ClinVar variation 4113481 (VCV004113481.1).